The following is an entry in ClinVar:

NM_001267550.2(TTN):c.80667T>C (p.Tyr26889=)

Genes: TTN (titin; minus strand), TTN-AS1 (TTN antisense RNA 1; plus strand). Cytogenetic location: 2q31.2.
Variant type: single nucleotide variant.
Coding change: c.80667T>C on transcript NM_001267550.2 (MANE Select); coding-DNA position 80667, T replaced by C.
Protein change: p.Tyr26889=; no amino-acid change (tyrosine 26889 retained).
Molecular consequence: synonymous variant.
Genome position (GRCh38, 1-based): chr2:178,565,465, A>G on the plus strand (T>C on the coding strand, the complement: TTN is on the minus strand). VCF-style: chr2-178565465-A-G. GRCh37 (hg19) VCF-style: chr2-179430192-A-G.
Other names: c.75744T>C, p.Tyr25248= (NM_001256850.1); c.53472T>C, p.Tyr17824= (NM_003319.4); c.72963T>C, p.Tyr24321= (NM_133378.4); c.53847T>C, p.Tyr17949= (NM_133432.3); c.54048T>C, p.Tyr18016= (NM_133437.4).
Identifiers: ClinVar variation 1711515 (VCV001711515.34), dbSNP rs1276808769, ClinGen allele CA430251834.

ClinVar aggregate classification (germline): Likely benign. Review status: criteria provided, multiple submitters, no conflicts (2 of 4 stars). 3 submissions from 3 submitters: Likely benign (3). Last evaluated 2024-06-24.

Conditions:
Dilated cardiomyopathy 1G (CMD1G). Identifiers: Orphanet 154, MedGen C1858763, MONDO:0011400, OMIM 604145.
Autosomal recessive limb-girdle muscular dystrophy type 2J (LGMDR10). Also called: MUSCULAR DYSTROPHY, LIMB-GIRDLE, AUTOSOMAL RECESSIVE 10; Limb-girdle muscular dystrophy, type 2J. Identifiers: Orphanet 140922, MedGen C1837342, MONDO:0012127, OMIM 608807.
Cardiovascular phenotype. Identifiers: MedGen CN230736.

Allele frequency attached by ClinVar (database versions not stated): gnomAD exomes below 0.00001.
gnomAD v4.1: 5 of 1,613,278 alleles (0.00031%); highest among the groups gnomAD compares: East Asian, 0.0022%; no homozygotes.

Submissions (3):

Ambry Genetics
Classification: Likely benign for Cardiovascular phenotype. Last evaluated: 2024-06-24. Review status: criteria provided, single submitter. Criteria: Ambry Variant Classification Scheme 2023. Collection method: clinical testing. Allele origin: germline.

Labcorp Genetics (formerly Invitae), Labcorp
Classification: Likely benign for Dilated cardiomyopathy 1G; Autosomal recessive limb-girdle muscular dystrophy type 2J. Last evaluated: 2023-12-14. Review status: criteria provided, single submitter. Criteria: Invitae Variant Classification Sherloc (09022015). Collection method: clinical testing. Allele origin: germline.

CeGaT Center for Human Genetics Tuebingen
Classification: Likely benign. Last evaluated: 2022-07-01. Review status: criteria provided, single submitter. Criteria: CeGaT Center For Human Genetics Tuebingen Variant Classification Criteria Version 2. Collection method: clinical testing. Allele origin: germline. Affected: yes. Observed: 1 variant allele.
Comment: TTN: BP4, BP7